The following is an entry in ClinVar:

ClinVar aggregate classification (germline): Uncertain significance (1 of 4 stars; one submission).

Conditions:
Hereditary cancer-predisposing syndrome. Also called: Hereditary Cancer Syndrome; Hereditary neoplastic syndrome; Neoplastic Syndromes, Hereditary; Tumor predisposition. Identifiers: Orphanet 140162, MedGen C0027672, MeSH D009386, MONDO:0015356.

Submission:

Ambry Genetics
Classification: Uncertain significance for Hereditary cancer-predisposing syndrome. Last evaluated: 2025-03-26. Review status: criteria provided, single submitter. Criteria: Ambry Variant Classification Scheme 2023. Collection method: clinical testing. Allele origin: germline.
Comment: The p.G974V variant (also known as c.2921G>T), located in coding exon 15 of the APC gene, results from a G to T substitution at nucleotide position 2921. The glycine at codon 974 is replaced by valine, an amino acid with dissimilar properties. This amino acid position is conserved. In addition, in silico predictors for this gene do not accurately predict pathogenicity. Based on the available evidence, the clinical significance of this variant remains unclear.

NM_000038.6(APC):c.2921G>T (p.Gly974Val)

Gene: APC (APC regulator of Wnt signaling pathway; plus strand). Cytogenetic location: 5q22.2.
Variant type: single nucleotide variant.
Coding change: c.2921G>T on transcript NM_000038.6 (MANE Select); coding-DNA position 2921, G replaced by T.
Protein change: p.Gly974Val; replaces glycine 974 with valine.
Molecular consequence: missense variant. On other transcripts: non-coding transcript variant (2).
Genome position (GRCh38, 1-based): chr5:112,838,515, G>T. VCF-style: chr5-112838515-G-T. GRCh37 (hg19) VCF-style: chr5-112174212-G-T.
Other names: c.2672G>T, p.Gly891Val (NM_001407457.1, NM_001407454.1, NM_001407455.1 and 1 more transcripts); c.2618G>T, p.Gly873Val (NM_001407458.1, NM_001407459.1, NM_001407460.1 and 1 more transcripts); c.2534G>T, p.Gly845Val (NM_001407467.1, NM_001407469.1); c.2072G>T, p.Gly691Val (NM_001407470.1, NM_001354906.2); c.1769G>T, p.Gly590Val (NM_001407471.1, NM_001407472.1); c.2921G>T, p.Gly974Val (NM_001127510.3, NM_001354895.2, NM_001407450.1); c.2867G>T, p.Gly956Val (NM_001127511.3); c.2975G>T, p.Gly992Val (NM_001354896.2, NM_001407447.1, NM_001407448.1 and 1 more transcripts); and 11 more; short protein forms G848V, G946V, G949V, G956V, G974V, G992V, G845V, G883V.
Identifiers: ClinVar variation 3928171 (VCV003928171.1).